The following is an entry in ClinVar:

ClinVar aggregate classification (germline): Uncertain significance. Review status: criteria provided, multiple submitters, no conflicts (2 of 4 stars). 3 submissions from 3 submitters: Uncertain significance (3). Last evaluated 2022-10-31.

Conditions:
Cardiovascular phenotype. Identifiers: MedGen CN230736.
Hereditary cancer-predisposing syndrome. Also called: Hereditary Cancer Syndrome; Hereditary neoplastic syndrome; Tumor predisposition; Neoplastic Syndromes, Hereditary. Identifiers: Orphanet 140162, MedGen C0027672, MeSH D009386, MONDO:0015356.
Neurofibromatosis, type 1 (NF1). Also called: VON RECKLINGHAUSEN DISEASE; NEUROFIBROMATOSIS, TYPE I, SOMATIC; Peripheral type neurofibromatosis; Neurofibromatosis, type I. Identifiers: Orphanet 636, MedGen C0027831, MONDO:0018975, OMIM 162200. Disease mechanism: loss of function.

Submissions (3):

Labcorp Genetics (formerly Invitae), Labcorp
Classification: Uncertain significance for Neurofibromatosis, type 1. Last evaluated: 2022-10-31. Review status: criteria provided, single submitter. Criteria: Invitae Variant Classification Sherloc (09022015). Collection method: clinical testing. Allele origin: germline.
Comment: This sequence change replaces asparagine, which is neutral and polar, with serine, which is neutral and polar, at codon 2070 of the NF1 protein (p.Asn2070Ser). This variant is not present in population databases (gnomAD no frequency). This variant has not been reported in the literature in individuals affected with NF1-related conditions. ClinVar contains an entry for this variant (Variation ID: 457785). Advanced modeling of protein sequence and biophysical properties (such as structural, functional, and spatial information, amino acid conservation, physicochemical variation, residue mobility, and thermodynamic stability) performed at Invitae indicates that this missense variant is expected to disrupt NF1 protein function. In summary, the available evidence is currently insufficient to determine the role of this variant in disease. Therefore, it has been classified as a Variant of Uncertain Significance.

Ambry Genetics
Classification: Uncertain significance for Cardiovascular phenotype; Hereditary cancer-predisposing syndrome. Last evaluated: 2022-09-07. Review status: criteria provided, single submitter. Criteria: Ambry Variant Classification Scheme 2023. Collection method: clinical testing. Allele origin: germline.
Comment: The p.N2070S variant (also known as c.6209A>G), located in coding exon 41 of the NF1 gene, results from an A to G substitution at nucleotide position 6209. The asparagine at codon 2070 is replaced by serine, an amino acid with highly similar properties. This amino acid position is highly conserved in available vertebrate species. In addition, the in silico prediction for this alteration is inconclusive. Since supporting evidence is limited at this time, the clinical significance of this alteration remains unclear.

Genome-Nilou Lab
Classification: Uncertain significance for Neurofibromatosis, type 1. Last evaluated: 2022-03-15. Review status: criteria provided, single submitter. Criteria: ACMG Guidelines, 2015. Collection method: clinical testing. Allele origin: germline. Affected: no.

NM_001042492.3(NF1):c.6272A>G (p.Asn2091Ser)

Gene: NF1 (neurofibromin 1; plus strand). Cytogenetic location: 17q11.2.
Variant type: single nucleotide variant.
Coding change: c.6272A>G on transcript NM_001042492.3 (MANE Select); coding-DNA position 6272, A replaced by G.
Protein change: p.Asn2091Ser; replaces asparagine 2091 with serine.
Molecular consequence: missense variant.
Genome position (GRCh38, 1-based): chr17:31,336,759, A>G. VCF-style: chr17-31336759-A-G. GRCh37 (hg19) VCF-style: chr17-29663777-A-G.
Other names: c.6209A>G, p.Asn2070Ser (NM_000267.4); short protein forms N2091S, N2070S.
Identifiers: ClinVar variation 457785 (VCV000457785.13), dbSNP rs1555534696, ClinGen allele CA399012180.